The following is an entry in ClinVar:

NM_003640.5(ELP1):c.1088_1089del (p.Cys363fs)

Gene: ELP1 (elongator acetyltransferase complex subunit 1; minus strand). Cytogenetic location: 9q31.3.
Variant type: Deletion.
Coding change: c.1088_1089del on transcript NM_003640.5 (MANE Select); coding-DNA positions 1088 to 1089, 2 bases deleted (GT; older notation c.1088_1089delGT).
Protein change: p.Cys363fs; shifts the reading frame from cysteine 363.
Molecular consequence: frameshift variant.
Genome position (GRCh38, 1-based): chr9:108,912,364-108,912,365, AC deleted on the plus strand (GT on the coding strand, the reverse complement: ELP1 is on the minus strand); deleting any 2 consecutive bases within chr9:108,912,364-108,912,366 gives the same sequence; the c. name uses the placement nearest the transcript's 3' end. VCF-style (leftmost placement, unchanged base first): chr9-108912363-GAC-G. GRCh37 (hg19) VCF-style: chr9-111674643-GAC-G.
Other names: c.746_747del, p.Cys249fs (NM_001318360.2); c.41_42del, p.Cys14fs (NM_001330749.2); short protein forms C14fs, C249fs, C363fs.
Identifiers: ClinVar variation 5015953 (VCV005015953.1).

ClinVar aggregate classification (germline): Pathogenic (1 of 4 stars; one submission).

Conditions:
Familial dysautonomia. Also called: HSAN III; FD. Identifiers: Orphanet 1764, MedGen C0013364, MONDO:0009131, OMIM 223900. Disease mechanism: loss of function.

Submission:

Myriad Genetics, Inc.
Classification: Pathogenic for Familial dysautonomia. Last evaluated: 2026-05-25. Review status: criteria provided, single submitter. Criteria: Myriad Autosomal Dominant, Autosomal Recessive and X-Linked Classification Criteria (2023). Collection method: clinical testing. Allele origin: unknown.
Comment: NM_003640.3(ELP1):c.1088_1089delGT(C363Sfs*9) is expected to be pathogenic in the context of familial dysautonomia. This variant is predicted to lead to an abnormal or absent protein product due to the creation of a premature termination codon in ELP1, a gene where loss-of-function variants are known to be pathogenic. Please note: this variant was assessed in the context of healthy population screening.